The following is an entry in ClinVar:

ClinVar aggregate classification (germline): Likely benign. Review status: criteria provided, multiple submitters, no conflicts (2 of 4 stars). 2 submissions from 2 submitters: Likely benign (2). Last evaluated 2024-09-01.

Conditions:
Compton-North congenital myopathy (CMYO12). Identifiers: Orphanet 210163, MedGen C2675527, MONDO:0012929, OMIM 612540.

Allele frequency attached by ClinVar (database versions not stated): gnomAD exomes below 0.00001 and 0.00001; TOPMed below 0.00001; ExAC 0.00001; gnomAD 0.00001.
gnomAD v4.1: 13 of 1,613,664 alleles (0.00081%); highest among the groups gnomAD compares: Non-Finnish European, 0.00093%; no homozygotes.

Submissions (2):

CeGaT Center for Human Genetics Tuebingen
Classification: Likely benign. Last evaluated: 2024-09-01. Review status: criteria provided, single submitter. Criteria: CeGaT Center For Human Genetics Tuebingen Variant Classification Criteria Version 2. Collection method: clinical testing. Allele origin: germline. Affected: yes. Observed: 1 variant allele.
Comment: CNTN1: BP4, BP7

Labcorp Genetics (formerly Invitae), Labcorp
Classification: Likely benign for Compton-North congenital myopathy. Last evaluated: 2018-09-05. Review status: criteria provided, single submitter. Criteria: Invitae Variant Classification Sherloc (09022015). Collection method: clinical testing. Allele origin: germline.

NM_001843.4(CNTN1):c.1875C>T (p.Ser625=)

Gene: CNTN1 (contactin 1; plus strand). Cytogenetic location: 12q12.
Variant type: single nucleotide variant.
Coding change: c.1875C>T on transcript NM_001843.4 (MANE Select); coding-DNA position 1875, C replaced by T.
Protein change: p.Ser625=; no amino-acid change (serine 625 retained).
Molecular consequence: synonymous variant.
Genome position (GRCh38, 1-based): chr12:40,980,979, C>T. VCF-style: chr12-40980979-C-T. GRCh37 (hg19) VCF-style: chr12-41374781-C-T.
Other names: c.1842C>T, p.Ser614= (NM_175038.2).
Identifiers: ClinVar variation 763705 (VCV000763705.25), dbSNP rs765519666, ClinGen allele CA6516999.